The following is an entry in ClinVar:

ClinVar aggregate classification (germline): Uncertain significance (1 of 4 stars; one submission).

gnomAD v4.1: 3 of 1,612,892 alleles (0.00019%); highest among the groups gnomAD compares: Non-Finnish European, 0.00025%; no homozygotes.

Submission:

Labcorp Genetics (formerly Invitae), Labcorp
Classification: Uncertain significance. Last evaluated: 2025-02-28. Review status: criteria provided, single submitter. Criteria: Invitae Variant Classification Sherloc (09022015). Collection method: clinical testing. Allele origin: germline.
Comment: This sequence change replaces isoleucine, which is neutral and non-polar, with valine, which is neutral and non-polar, at codon 348 of the DNM1L protein (p.Ile348Val). This variant is present in population databases (no rsID available, gnomAD 0.01%). This variant has not been reported in the literature in individuals affected with DNM1L-related conditions. An algorithm developed to predict the effect of missense changes on protein structure and function (PolyPhen-2) suggests that this variant is likely to be tolerated. In summary, the available evidence is currently insufficient to determine the role of this variant in disease. Therefore, it has been classified as a Variant of Uncertain Significance.

NM_012062.5(DNM1L):c.1042A>G (p.Ile348Val)

Gene: DNM1L (dynamin 1 like; plus strand). Cytogenetic location: 12p11.21.
Variant type: single nucleotide variant.
Coding change: c.1042A>G on transcript NM_012062.5 (MANE Select); coding-DNA position 1042, A replaced by G.
Protein change: p.Ile348Val; replaces isoleucine 348 with valine.
Molecular consequence: missense variant.
Genome position (GRCh38, 1-based): chr12:32,722,596, A>G. VCF-style: chr12-32722596-A-G. GRCh37 (hg19) VCF-style: chr12-32875530-A-G.
Other names: c.1042A>G, p.Ile348Val (NM_001278463.2, NM_005690.5, NM_012063.4); c.1081A>G, p.Ile361Val (NM_001278464.2, NM_001278465.2, NM_001330380.2); c.433A>G, p.Ile145Val (NM_001278466.2); short protein forms I348V, I361V, I145V.
Identifiers: ClinVar variation 4737709 (VCV004737709.1).